The following is an entry in ClinVar:

NM_004082.5(DCTN1):c.1915C>T (p.Arg639Trp)

Gene: DCTN1 (dynactin subunit 1; minus strand). Cytogenetic location: 2p13.1.
Variant type: single nucleotide variant.
Coding change: c.1915C>T on transcript NM_004082.5 (MANE Select); coding-DNA position 1915, C replaced by T.
Protein change: p.Arg639Trp; replaces arginine 639 with tryptophan.
Molecular consequence: missense variant. On other transcripts: non-coding transcript variant (1).
Genome position (GRCh38, 1-based): chr2:74,368,071, G>A on the plus strand (C>T on the coding strand, the complement: DCTN1 is on the minus strand). VCF-style: chr2-74368071-G-A. GRCh37 (hg19) VCF-style: chr2-74595198-G-A.
Other names: c.1855C>T, p.Arg619Trp (NM_001135040.3); c.1513C>T, p.Arg505Trp (NM_001135041.3, NM_023019.4); c.1804C>T, p.Arg602Trp (NM_001190836.2); c.1894C>T, p.Arg632Trp (NM_001190837.2); c.1864C>T, p.Arg622Trp (NM_001378991.1); c.1846C>T, p.Arg616Trp (NM_001378992.1); short protein forms R505W, R602W, R619W, R622W, R632W, R639W, R616W.
Identifiers: ClinVar variation 2047791 (VCV002047791.7), dbSNP rs776398707, ClinGen allele CA1722003.
Genomic context (GRCh38, chr2:74,368,071, plus strand): 5'-AGTACACCAGTCCAGCAGCAAAGCTGAGTTGCTCCCCAGCAGCTCCTCGCAGCCCAGGCC[G>A]CTCTGAACAGTTCTCACTTAGTTCAAACTTCTCCTGGGCCTGCTTCCGGATCAGCTCTGC-3'
Protein context (NP_004073.2, residues 629-649): KFELSENCSE[Arg639Trp]PGLRGAAGEQ

ClinVar aggregate classification (germline): Uncertain significance. Review status: criteria provided, multiple submitters, no conflicts (2 of 4 stars). 3 submissions from 3 submitters: Uncertain significance (3). Last evaluated 2024-06-22.

Conditions:
Perry syndrome. Also called: PARKINSONISM WITH ALVEOLAR HYPOVENTILATION AND MENTAL DEPRESSION. Identifiers: Orphanet 178509, MedGen C1868594, MONDO:0008201, OMIM 168605.
Neuronopathy, distal hereditary motor, type 7B. Also called: HMN VIIB; LOWER MOTOR NEURON DISEASE, DYNACTIN TYPE; NEURONOPATHY, DISTAL HEREDITARY MOTOR, AUTOSOMAL DOMINANT 14; NEURONOPATHY, DISTAL HEREDITARY MOTOR, HARDING TYPE VIIB; NEUROPATHY, DISTAL HEREDITARY MOTOR, HARDING TYPE VIIB; NEUROPATHY, DISTAL HEREDITARY MOTOR, WITH VOCAL CORD PARALYSIS, HARDING TYPE VIIB. Identifiers: Orphanet 139589, MedGen C1843315, MONDO:0011879, OMIM 607641.
Amyotrophic lateral sclerosis type 1 (ALS1). Also called: AMYOTROPHIC LATERAL SCLEROSIS 1, FAMILIAL. Identifiers: Orphanet 803, MedGen C1862939, MONDO:0007103, OMIM 105400.
Inborn genetic diseases. Identifiers: MedGen C0950123, MeSH D030342.

Allele frequency attached by ClinVar (database versions not stated): TOPMed 0.00001; gnomAD exomes 0.00002; ExAC 0.00005.
gnomAD v4.1: 29 of 1,610,114 alleles (0.0018%); highest among the groups gnomAD compares: East Asian, 0.013%; no homozygotes.

Submissions (3):

Labcorp Genetics (formerly Invitae), Labcorp
Classification: Uncertain significance for Amyotrophic lateral sclerosis type 1; Neuronopathy, distal hereditary motor, type 7B; Perry syndrome. Last evaluated: 2024-06-22. Review status: criteria provided, single submitter. Criteria: Invitae Variant Classification Sherloc (09022015). Collection method: clinical testing. Allele origin: germline.
Comment: This sequence change replaces arginine, which is basic and polar, with tryptophan, which is neutral and slightly polar, at codon 639 of the DCTN1 protein (p.Arg639Trp). This variant is present in population databases (rs776398707, gnomAD 0.006%). This missense change has been observed in individual(s) with amyotrophic lateral sclerosis (PMID: 26742954). ClinVar contains an entry for this variant (Variation ID: 2047791). Advanced modeling of protein sequence and biophysical properties (such as structural, functional, and spatial information, amino acid conservation, physicochemical variation, residue mobility, and thermodynamic stability) performed at Invitae indicates that this missense variant is not expected to disrupt DCTN1 protein function with a negative predictive value of 80%. In summary, the available evidence is currently insufficient to determine the role of this variant in disease. Therefore, it has been classified as a Variant of Uncertain Significance.

Ambry Genetics
Classification: Uncertain significance for Inborn genetic diseases. Last evaluated: 2023-04-03. Review status: criteria provided, single submitter. Criteria: Ambry Variant Classification Scheme 2023. Collection method: clinical testing. Allele origin: germline.

GeneDx
Classification: Uncertain significance. Last evaluated: 2022-11-02. Review status: criteria provided, single submitter. Criteria: GeneDx Variant Classification Process June 2021. Collection method: clinical testing. Allele origin: germline. Affected: yes.
Comment: In silico analysis supports that this missense variant has a deleterious effect on protein structure/function; Previously reported in association with ALS; however detailed family history and phenotypic details were not provided (Nakamura et al., 2016; Liu et al., 2019); This variant is associated with the following publications: (PMID: 26742954, 32293029, 31788332)

Literature cited by the submitters: PubMed 26742954 (cited by Labcorp Genetics (formerly Invitae), Labcorp and Ambry Genetics); PubMed 31788332 (cited by Ambry Genetics).